The following is an entry in ClinVar:

ClinVar aggregate classification (germline): Conflicting classifications of pathogenicity. Review status: criteria provided, conflicting classifications (1 of 4 stars). 2 submissions from 2 submitters: Uncertain significance (1); Likely benign (1). Last evaluated 2025-10-22.

Conditions:
Renal cell carcinoma. Identifiers: Orphanet 217071, MedGen C0007134, MeSH D002292, MONDO:0005086, HP:0005584.
Hereditary cancer-predisposing syndrome. Also called: Tumor predisposition; Hereditary neoplastic syndrome; Hereditary Cancer Syndrome; Neoplastic Syndromes, Hereditary. Identifiers: Orphanet 140162, MedGen C0027672, MeSH D009386, MONDO:0015356.

Allele frequency attached by ClinVar (database versions not stated): ESP Exome Variant Server 0.00008.

Submissions (2):

Labcorp Genetics (formerly Invitae), Labcorp
Classification: Uncertain significance for Renal cell carcinoma. Last evaluated: 2025-10-22. Review status: criteria provided, single submitter. Criteria: Invitae Variant Classification Sherloc (09022015). Collection method: clinical testing. Allele origin: germline.
Comment: This sequence change replaces phenylalanine, which is neutral and non-polar, with cysteine, which is neutral and slightly polar, at codon 96 of the MET protein (p.Phe96Cys). This variant is not present in population databases (gnomAD no frequency). This variant has not been reported in the literature in individuals affected with MET-related conditions. ClinVar contains an entry for this variant (Variation ID: 1053567). Invitae Evidence Modeling of protein sequence and biophysical properties (such as structural, functional, and spatial information, amino acid conservation, physicochemical variation, residue mobility, and thermodynamic stability) indicates that this missense variant is not expected to disrupt MET protein function with a negative predictive value of 80%. In summary, the available evidence is currently insufficient to determine the role of this variant in disease. Therefore, it has been classified as a Variant of Uncertain Significance.

Ambry Genetics
Classification: Likely benign for Hereditary cancer-predisposing syndrome. Last evaluated: 2025-01-19. Review status: criteria provided, single submitter. Criteria: Ambry Variant Classification Scheme 2023. Collection method: clinical testing. Allele origin: germline.

NM_000245.4(MET):c.287T>G (p.Phe96Cys)

Gene: MET (MET proto-oncogene, receptor tyrosine kinase; plus strand). Cytogenetic location: 7q31.2.
Variant type: single nucleotide variant.
Coding change: c.287T>G on transcript NM_000245.4 (MANE Select); coding-DNA position 287, T replaced by G.
Protein change: p.Phe96Cys; replaces phenylalanine 96 with cysteine.
Molecular consequence: missense variant. On other transcripts: intron variant (1).
Genome position (GRCh38, 1-based): chr7:116,699,371, T>G. VCF-style: chr7-116699371-T-G. GRCh37 (hg19) VCF-style: chr7-116339425-T-G.
Other names: c.287T>G, p.Phe96Cys (NM_001127500.3, NM_001324401.3); c.-91+26794T>G (NM_001324402.2); short protein forms F96C.
Identifiers: ClinVar variation 1053567 (VCV001053567.12), dbSNP rs371941340, ClinGen allele CA164888133.